The following is an entry in ClinVar:

ClinVar aggregate classification (germline): Uncertain significance. Review status: criteria provided, multiple submitters, no conflicts (2 of 4 stars). 2 submissions from 2 submitters: Uncertain significance (2). Last evaluated 2025-08-20.

Conditions:
Familial cancer of breast. Also called: BREAST CANCER, FAMILIAL; Hereditary breast cancer; hereditary breast carcinoma. Identifiers: Orphanet 227535, MedGen C0346153, MONDO:0016419, OMIM 114480. Disease mechanism: loss of function.
Hereditary cancer-predisposing syndrome. Also called: Tumor predisposition; Hereditary Cancer Syndrome; Neoplastic Syndromes, Hereditary; Hereditary neoplastic syndrome. Identifiers: Orphanet 140162, MedGen C0027672, MeSH D009386, MONDO:0015356.

Allele frequency attached by ClinVar (database versions not stated): gnomAD exomes below 0.00001; TOPMed below 0.00001.
gnomAD v4.1: 1 of 1,554,596 alleles (0.000064%); highest among the groups gnomAD compares: Non-Finnish European, 0.000088%; no homozygotes.

Submissions (2):

Ambry Genetics
Classification: Uncertain significance for Hereditary cancer-predisposing syndrome. Last evaluated: 2025-08-20. Review status: criteria provided, single submitter. Criteria: Ambry Variant Classification Scheme 2023. Collection method: clinical testing. Allele origin: germline.
Comment: The p.D293G variant (also known as c.878A>G), located in coding exon 7 of the CHEK2 gene, results from an A to G substitution at nucleotide position 878. The aspartic acid at codon 293 is replaced by glycine, an amino acid with similar properties. This amino acid position is not well conserved in available vertebrate species. In addition, this alteration is predicted to be tolerated by BayesDel in silico analysis. Since supporting evidence is limited at this time, the clinical significance of this alteration remains unclear.

Labcorp Genetics (formerly Invitae), Labcorp
Classification: Uncertain significance for Familial cancer of breast. Last evaluated: 2025-08-11. Review status: criteria provided, single submitter. Criteria: Invitae Variant Classification Sherloc (09022015). Collection method: clinical testing. Allele origin: germline.
Comment: This sequence change replaces aspartic acid, which is acidic and polar, with glycine, which is neutral and non-polar, at codon 293 of the CHEK2 protein (p.Asp293Gly). This variant is not present in population databases (gnomAD no frequency). This variant has not been reported in the literature in individuals affected with CHEK2-related conditions. ClinVar contains an entry for this variant (Variation ID: 822731). An algorithm developed to predict the effect of missense changes on protein structure and function (PolyPhen-2) suggests that this variant is likely to be tolerated. In summary, the available evidence is currently insufficient to determine the role of this variant in disease. Therefore, it has been classified as a Variant of Uncertain Significance.

NM_007194.4(CHEK2):c.878A>G (p.Asp293Gly)

Gene: CHEK2 (checkpoint kinase 2; minus strand). Cytogenetic location: 22q12.1.
Variant type: single nucleotide variant.
Coding change: c.878A>G on transcript NM_007194.4 (MANE Select); coding-DNA position 878, A replaced by G.
Protein change: p.Asp293Gly; replaces aspartic acid 293 with glycine.
Molecular consequence: missense variant.
Genome position (GRCh38, 1-based): chr22:28,703,535, T>C on the plus strand (A>G on the coding strand, the complement: CHEK2 is on the minus strand). VCF-style: chr22-28703535-T-C. GRCh37 (hg19) VCF-style: chr22-29099523-T-C.
Other names: c.1007A>G, p.Asp336Gly (NM_001005735.3); c.215A>G, p.Asp72Gly (NM_001257387.3); c.677A>G, p.Asp226Gly (NM_001349956.3); c.878A>G, p.Asp293Gly (NM_145862.3); short protein forms D293G, D336G, D226G, D72G.
Identifiers: ClinVar variation 822731 (VCV000822731.15), dbSNP rs932236548, ClinGen allele CA323012722.